The following is an entry in ClinVar:

NM_001035.3(RYR2):c.1708+1G>A

Gene: RYR2 (ryanodine receptor 2; plus strand). Cytogenetic location: 1q43.
Variant type: single nucleotide variant.
Coding change: c.1708+1G>A on transcript NM_001035.3 (MANE Select); the canonical splice donor site of the intron after coding-DNA position 1708, G replaced by A.
Molecular consequence: splice donor variant.
Genome position (GRCh38, 1-based): chr1:237,469,188, G>A. VCF-style: chr1-237469188-G-A. GRCh37 (hg19) VCF-style: chr1-237632488-G-A.
Identifiers: ClinVar variation 1316943 (VCV001316943.2), dbSNP rs2150301803, ClinGen allele CA345384106.

ClinVar aggregate classification (germline): Uncertain significance (1 of 4 stars; one submission).

Submission:

GeneDx
Classification: Uncertain significance. Last evaluated: 2020-01-24. Review status: criteria provided, single submitter. Criteria: GeneDx Variant Classification Process June 2021. Collection method: clinical testing. Allele origin: germline. Affected: yes.
Comment: Has not been previously published as pathogenic or benign to our knowledge; Not observed in large population cohorts (Lek et al., 2016); Canonical splice site variant with an unclear effect on protein function